The following is an entry in ClinVar:

ClinVar aggregate classification (germline): Uncertain significance. Review status: criteria provided, multiple submitters, no conflicts (2 of 4 stars). 2 submissions from 2 submitters: Uncertain significance (2). Last evaluated 2025-09-30.

Conditions:
Atypical hemolytic-uremic syndrome. Identifiers: Orphanet 2134, MedGen C2931788, MONDO:0016244.

gnomAD v4.1: 1 of 1,612,418 alleles (0.000062%); highest among the groups gnomAD compares: Non-Finnish European, 0.000085%; no homozygotes.

Submissions (2):

Genomenon, Inc
Classification: Uncertain significance for Atypical hemolytic-uremic syndrome. Last evaluated: 2025-09-30. Review status: criteria provided, single submitter. Criteria: Genomenon Sequence Variant Interpretation Standards. Collection method: curation. Allele origin: germline. Affected: yes.
Comment: C3 p.Ser1063Arg (c.3187A>C) is a missense variant that changes the amino acid at residue 1063 from Serine to Arginine. This variant has been observed in at least one proband affected with atypical hemolytic-uremic syndrome (PMID:20595690). Functional studies have been reported; however, the significance of the findings remain unclear (PMID:25608561;37795781). It is absent or not present at a significant frequency in gnomAD. In silico models agree that this variant is not damaging. In conclusion, we classify C3 p.Ser1063Arg (c.3187A>C) as a variant of unknown significance.

Blueprint Genetics
Classification: Uncertain significance. Last evaluated: 2024-06-26. Review status: criteria provided, single submitter. Criteria: ACMG Guidelines, 2015. Collection method: clinical testing. Allele origin: germline.

Literature cited by the submitters: PubMed 20595690 (cited by Genomenon, Inc); PubMed 25608561 (cited by Genomenon, Inc); PubMed 37795781 (cited by Genomenon, Inc).

NM_000064.4(C3):c.3187A>C (p.Ser1063Arg)

Gene: C3 (complement C3; minus strand). Cytogenetic location: 19p13.3.
Variant type: single nucleotide variant.
Coding change: c.3187A>C on transcript NM_000064.4 (MANE Select); coding-DNA position 3187, A replaced by C.
Protein change: p.Ser1063Arg; replaces serine 1063 with arginine.
Molecular consequence: missense variant.
Genome position (GRCh38, 1-based): chr19:6,693,455, T>G on the plus strand (A>C on the coding strand, the complement: C3 is on the minus strand). VCF-style: chr19-6693455-T-G. GRCh37 (hg19) VCF-style: chr19-6693466-T-G.
Other names: short protein forms S1063R.
Identifiers: ClinVar variation 4280191 (VCV004280191.2).